The following is an entry in ClinVar:

NM_001080449.3(DNA2):c.2072A>G (p.Lys691Arg)

Gene: DNA2 (DNA replication helicase/nuclease 2; minus strand). Cytogenetic location: 10q21.3.
Variant type: single nucleotide variant.
Coding change: c.2072A>G on transcript NM_001080449.3 (MANE Select); coding-DNA position 2072, A replaced by G.
Protein change: p.Lys691Arg; replaces lysine 691 with arginine.
Molecular consequence: missense variant.
Genome position (GRCh38, 1-based): chr10:68,430,572, T>C on the plus strand (A>G on the coding strand, the complement: DNA2 is on the minus strand). VCF-style: chr10-68430572-T-C. GRCh37 (hg19) VCF-style: chr10-70190329-T-C.
Other names: short protein forms K691R.
Identifiers: ClinVar variation 4808146 (VCV004808146.1).

ClinVar aggregate classification (germline): Uncertain significance (1 of 4 stars; one submission).

Submission:

Labcorp Genetics (formerly Invitae), Labcorp
Classification: Uncertain significance. Last evaluated: 2025-11-11. Review status: criteria provided, single submitter. Criteria: Invitae Variant Classification Sherloc (09022015). Collection method: clinical testing. Allele origin: germline.
Comment: This sequence change replaces lysine, which is basic and polar, with arginine, which is basic and polar, at codon 691 of the DNA2 protein (p.Lys691Arg). This variant is not present in population databases (gnomAD no frequency). This variant has not been reported in the literature in individuals affected with DNA2-related conditions. Invitae Evidence Modeling of protein sequence and biophysical properties (such as structural, functional, and spatial information, amino acid conservation, physicochemical variation, residue mobility, and thermodynamic stability) indicates that this missense variant is not expected to disrupt DNA2 protein function with a negative predictive value of 80%. In summary, the available evidence is currently insufficient to determine the role of this variant in disease. Therefore, it has been classified as a Variant of Uncertain Significance.